The following is an entry in ClinVar:

NM_007294.4(BRCA1):c.5149T>A (p.Phe1717Ile)

Gene: BRCA1 (BRCA1 DNA repair associated; minus strand). Cytogenetic location: 17q21.31.
Variant type: single nucleotide variant.
Coding change: c.5149T>A on transcript NM_007294.4 (MANE Select); coding-DNA position 5149, T replaced by A.
Protein change: p.Phe1717Ile; replaces phenylalanine 1717 with isoleucine.
Molecular consequence: missense variant. On other transcripts: non-coding transcript variant (1).
Genome position (GRCh38, 1-based): chr17:43,063,877, A>T on the plus strand (T>A on the coding strand, the complement: BRCA1 is on the minus strand). VCF-style: chr17-43063877-A-T. GRCh37 (hg19) VCF-style: chr17-41215894-A-T.
Other names: c.5023T>A, p.Phe1675Ile (NM_001407678.1, NM_001407679.1, NM_001407671.1 and 10 more transcripts); c.5017T>A, p.Phe1673Ile (NM_001407690.1, NM_001407691.1); c.5008T>A, p.Phe1670Ile (NM_001407692.1, NM_001407694.1, NM_001407695.1 and 13 more transcripts); c.5005T>A, p.Phe1669Ile (NM_001407735.1, NM_001407736.1, NM_001407737.1 and 21 more transcripts); c.5002T>A, p.Phe1668Ile (NM_001407839.1, NM_001407841.1, NM_001407842.1 and 12 more transcripts); c.4948T>A, p.Phe1650Ile (NM_001407862.1); c.4942T>A, p.Phe1648Ile (NM_001407874.1, NM_001407875.1); c.4939T>A, p.Phe1647Ile (NM_001407879.1, NM_001407881.1, NM_001407882.1 and 5 more transcripts); and 71 more; short protein forms F1717I, F1738I, F613I, F1670I, F1421I, F1589I, F1605I, F1627I.
Identifiers: ClinVar variation 868713 (VCV000868713.3), dbSNP rs2051907296, ClinGen allele CA10591251.

Conditions:
Breast-ovarian cancer, familial, susceptibility to, 1 (BROVCA1). Also called: BRCA1 Hereditary Breast and Ovarian Cancer; OVARIAN CANCER, SUSCEPTIBILITY TO. Identifiers: Orphanet 145, MedGen C2676676, MONDO:0011450, OMIM 604370. Disease mechanism: loss of function.

Submission:

Brotman Baty Institute, University of Washington
No classification provided (evidence only). Condition: Breast-ovarian cancer, familial 1. Review status: no classification provided. Collection method: in vitro. Allele origin: not applicable. Functional consequence: functionally_normal.
ClinVar note: "not provided" was previously submitted as the classification for the variant. However, the classification appeared to be based only on an observation of functional data so it was converted to no classification on 2025-07-30.